The following is an entry in ClinVar:

ClinVar aggregate classification (germline): Likely benign. Review status: criteria provided, multiple submitters, no conflicts (2 of 4 stars). 2 submissions from 2 submitters: Likely benign (2). Last evaluated 2025-12-30.

Conditions:
COL6A1-related disorder. Also called: COL6A1-related condition.
Bethlem myopathy 1A. Also called: MYOPATHY, BENIGN CONGENITAL, WITH CONTRACTURES; Bethlem Muscular Dystrophy; Bethlem myopathy 1. Identifiers: Orphanet 610, MedGen CN029274, MONDO:0024530, OMIM 158810.

Submissions (2):

PreventionGenetics, part of Exact Sciences
Classification: Likely benign for COL6A1-related condition. Last evaluated: 2025-12-30. Review status: criteria provided, single submitter. Criteria: ACMG Guidelines, 2015. Collection method: clinical testing. Allele origin: germline.
Comment: This variant is classified as likely benign based on ACMG/AMP sequence variant interpretation guidelines (Richards et al. 2015 PMID: 25741868, with internal and published modifications).

Labcorp Genetics (formerly Invitae), Labcorp
Classification: Likely benign for Bethlem myopathy 1A. Last evaluated: 2025-10-09. Review status: criteria provided, single submitter. Criteria: Invitae Variant Classification Sherloc (09022015). Collection method: clinical testing. Allele origin: germline.

NM_001848.3(COL6A1):c.1596C>T (p.Gly532=)

Gene: COL6A1 (collagen type VI alpha 1 chain; plus strand). Cytogenetic location: 21q22.3.
Variant type: single nucleotide variant.
Coding change: c.1596C>T on transcript NM_001848.3 (MANE Select); coding-DNA position 1596, C replaced by T.
Protein change: p.Gly532=; no amino-acid change (glycine 532 retained).
Molecular consequence: synonymous variant.
Genome position (GRCh38, 1-based): chr21:45,998,418, C>T. VCF-style: chr21-45998418-C-T. GRCh37 (hg19) VCF-style: chr21-47418332-C-T.
Identifiers: ClinVar variation 4739121 (VCV004739121.2).